The following is an entry in ClinVar:

ClinVar aggregate classification (germline): Likely benign. Review status: criteria provided, multiple submitters, no conflicts (2 of 4 stars). 2 submissions from 2 submitters: Likely benign (2). Last evaluated 2025-09-30.

Conditions:
Cardiovascular phenotype. Identifiers: MedGen CN230736.

Allele frequency attached by ClinVar (database versions not stated): ExAC 0.00057; gnomAD 0.00004; TOPMed 0.00001; gnomAD exomes 0.00007; 1000 Genomes Project 30x 0.00031.

Submissions (2):

Mayo Clinic Laboratories, Mayo Clinic
Classification: Likely benign. Last evaluated: 2025-09-30. Review status: criteria provided, single submitter. Criteria: ACMG Guidelines, 2015. Collection method: clinical testing. Allele origin: germline. Observed: 1 variant allele.
Comment: BS1, BP4, BP7

Ambry Genetics
Classification: Likely benign for Cardiovascular phenotype. Last evaluated: 2021-01-10. Review status: criteria provided, single submitter. Criteria: Ambry Variant Classification Scheme 2023. Collection method: clinical testing. Allele origin: germline.

NM_000041.4(APOE):c.627G>A (p.Arg209=)

Gene: APOE (apolipoprotein E; plus strand). Cytogenetic location: 19q13.32.
Variant type: single nucleotide variant.
Coding change: c.627G>A on transcript NM_000041.4 (MANE Select); coding-DNA position 627, G replaced by A.
Protein change: p.Arg209=; no amino-acid change (arginine 209 retained).
Molecular consequence: synonymous variant.
Genome position (GRCh38, 1-based): chr19:44,908,923, G>A. VCF-style: chr19-44908923-G-A. GRCh37 (hg19) VCF-style: chr19-45412180-G-A.
Other names: p.Arg209=; c.705G>A, p.Arg235= (NM_001302688.2); c.627G>A, p.Arg209= (NM_001302689.2, NM_001302690.2, NM_001302691.2).
Identifiers: ClinVar variation 1752588 (VCV001752588.3), dbSNP rs774452222, ClinGen allele CA9506084.
Genomic context (GRCh38, chr19:44,908,923, plus strand): 5'-GCGCGGCCTCAGCGCCATCCGCGAGCGCCTGGGGCCCCTGGTGGAACAGGGCCGCGTGCG[G>A]GCCGCCACTGTGGGCTCCCTGGCCGGCCAGCCGCTACAGGAGCGGGCCCAGGCCTGGGGC-3'
Protein context (NP_000032.1, residues 199-219): LGPLVEQGRV[Arg209=]AATVGSLAGQ